The following is an entry in ClinVar:

NM_032634.4(PIGO):c.2670G>T (p.Gln890His)

Gene: PIGO (phosphatidylinositol glycan anchor biosynthesis class O; minus strand). Cytogenetic location: 9p13.3.
Variant type: single nucleotide variant.
Coding change: c.2670G>T on transcript NM_032634.4 (MANE Select); coding-DNA position 2670, G replaced by T.
Protein change: p.Gln890His; replaces glutamine 890 with histidine.
Molecular consequence: missense variant.
Genome position (GRCh38, 1-based): chr9:35,090,650, C>A on the plus strand (G>T on the coding strand, the complement: PIGO is on the minus strand). VCF-style: chr9-35090650-C-A. GRCh37 (hg19) VCF-style: chr9-35090647-C-A.
Other names: c.1419G>T, p.Gln473His (NM_001201484.2, NM_152850.4); short protein forms Q890H, Q473H.
Identifiers: ClinVar variation 1496738 (VCV001496738.8), dbSNP rs2131072103, ClinGen allele CA373318422.
Genomic context (GRCh38, chr9:35,090,650, plus strand): 5'-AGGCTGGTGGCCTGTGGAGTAGAAGGTCTGTGTGGCCATGAGGGCCCAAGCCGAGACTGC[C>A]TGCCATGGCACAGTAAAAGGACCTGGAAGAAAAGATATGCCACGTTACAGTCACTTCTTA-3'
Protein context (NP_116023.2, residues 880-900): TTPGPFTVPW[Gln890His]AVSAWALMAT

ClinVar aggregate classification (germline): Uncertain significance (1 of 4 stars; one submission).

Conditions:
Hyperphosphatasia with impaired intellectual development syndrome 2. Also called: Hyperphosphatasia with intellectual disability syndrome 2; GLYCOSYLPHOSPHATIDYLINOSITOL BIOSYNTHESIS DEFECT 6. Identifiers: Orphanet 247262, MedGen C3553637, MONDO:0013882, OMIM 614749.

Submission:

Labcorp Genetics (formerly Invitae), Labcorp
Classification: Uncertain significance for Hyperphosphatasia with impaired intellectual development syndrome 2. Last evaluated: 2020-11-04. Review status: criteria provided, single submitter. Criteria: Invitae Variant Classification Sherloc (09022015). Collection method: clinical testing. Allele origin: germline.
Comment: This sequence change replaces glutamine with histidine at codon 890 of the PIGO protein (p.Gln890His). The glutamine residue is weakly conserved and there is a small physicochemical difference between glutamine and histidine. This variant is not present in population databases (ExAC no frequency). This variant has not been reported in the literature in individuals with PIGO-related conditions. Algorithms developed to predict the effect of missense changes on protein structure and function output the following: SIFT: "Tolerated"; PolyPhen-2: "Benign"; Align-GVGD: "Class C0". The histidine amino acid residue is found in multiple mammalian species, suggesting that this missense change does not adversely affect protein function. These predictions have not been confirmed by published functional studies and their clinical significance is uncertain. In summary, the available evidence is currently insufficient to determine the role of this variant in disease. Therefore, it has been classified as a Variant of Uncertain Significance.